The following is an entry in ClinVar:

ClinVar aggregate classification (germline): Uncertain significance. Review status: criteria provided, multiple submitters, no conflicts (2 of 4 stars). 4 submissions from 4 submitters: Uncertain significance (4). Last evaluated 2026-07-24.

Conditions:
CACNB2-related disorder. Also called: CACNB2-related condition.
Cardiovascular phenotype. Identifiers: MedGen CN230736.
Brugada syndrome 4 (BRGDA4). Identifiers: Orphanet 130, MedGen C2678477, MONDO:0012743, OMIM 611876.

Allele frequency attached by ClinVar (database versions not stated): gnomAD 0.00001; gnomAD exomes 0.00001 and 0.00002; TOPMed 0.00002.
gnomAD v4.1: 25 of 1,613,800 alleles (0.0015%); highest among the groups gnomAD compares: East Asian, 0.0022%; no homozygotes.

Submissions (4):

PreventionGenetics, part of Exact Sciences
Classification: Uncertain significance for CACNB2-related condition. Last evaluated: 2026-07-24. Review status: criteria provided, single submitter. Criteria: ACMG Guidelines, 2015. Collection method: clinical testing. Allele origin: germline.
Comment: The CACNB2 c.894G>A variant is not predicted to result in an amino acid change (p.=). This variant is predicted to alter splicing based on available splicing prediction programs (SpliceAI, Jaganathan et al. 2019. PubMed ID: 30661751). However, the use of computer prediction programs is not equivalent to functional evidence. To our knowledge, this variant has not been reported in the literature. This variant is reported in 0.0099% of alleles in individuals of Ashkenazi Jewish descent in gnomAD. At this time, the clinical significance of this variant is uncertain due to the absence of conclusive functional and genetic evidence.

Ambry Genetics
Classification: Uncertain significance for Cardiovascular phenotype. Last evaluated: 2023-11-17. Review status: criteria provided, single submitter. Criteria: Ambry Variant Classification Scheme 2023. Collection method: clinical testing. Allele origin: germline.
Comment: The c.894G>A variant (also known as p.A298A), located in coding exon 10 of the CACNB2 gene, results from a G to A substitution at nucleotide position 894. This nucleotide substitution does not change the alanine at codon 298. This nucleotide position is poorly conserved in available vertebrate species. In silico splice site analysis predicts that this alteration will result in the creation or strengthening of a novel splice acceptor site. The evidence for this gene-disease relationship is limited; therefore, the clinical significance of this alteration is unclear.

Labcorp Genetics (formerly Invitae), Labcorp
Classification: Uncertain significance for Brugada syndrome 4. Last evaluated: 2023-02-10. Review status: criteria provided, single submitter. Criteria: Invitae Variant Classification Sherloc (09022015). Collection method: clinical testing. Allele origin: germline.
Comment: This variant is present in population databases (rs730880058, gnomAD 0.01%). This variant has not been reported in the literature in individuals affected with CACNB2-related conditions. ClinVar contains an entry for this variant (Variation ID: 180289). Algorithms developed to predict the effect of sequence changes on RNA splicing suggest that this variant may create or strengthen a splice site. In summary, the available evidence is currently insufficient to determine the role of this variant in disease. Therefore, it has been classified as a Variant of Uncertain Significance. This sequence change affects codon 298 of the CACNB2 mRNA. It is a 'silent' change, meaning that it does not change the encoded amino acid sequence of the CACNB2 protein.

Blueprint Genetics
Classification: Uncertain significance. Last evaluated: 2019-09-30. Review status: criteria provided, single submitter. Criteria: ACMG Guidelines, 2015. Collection method: clinical testing. Allele origin: germline.

NM_201596.3(CACNB2):c.1056G>A (p.Ala352=)

Gene: CACNB2 (calcium voltage-gated channel auxiliary subunit beta 2; plus strand). Cytogenetic location: 10p12.31.
Variant type: single nucleotide variant.
Coding change: c.1056G>A on transcript NM_201596.3 (MANE Select); coding-DNA position 1056, G replaced by A.
Protein change: p.Ala352=; no amino-acid change (alanine 352 retained).
Molecular consequence: synonymous variant.
Genome position (GRCh38, 1-based): chr10:18,534,077, G>A. VCF-style: chr10-18534077-G-A. GRCh37 (hg19) VCF-style: chr10-18823006-G-A.
Other names: c.891G>A, p.Ala297= (NM_000724.4); c.858G>A, p.Ala286= (NM_001167945.2); c.777G>A, p.Ala259= (NM_001330060.2); c.912G>A, p.Ala304= (NM_201570.3); c.972G>A, p.Ala324= (NM_201571.4); c.900G>A, p.Ala300= (NM_201572.4); c.894G>A, p.Ala298= (NM_201590.3); c.942G>A, p.Ala314= (NM_201593.3); and 1 more.
Identifiers: ClinVar variation 180289 (VCV000180289.8), dbSNP rs730880058, ClinGen allele CA346235.
Genomic context (GRCh38, chr10:18,534,077, plus strand): 5'-ACCATTTTACTTTATCTTAAAAATACTGCACTTTAACTGAATTGTTTCGCCCTTTACAGC[G>A]GAAGTTCAGAGTGAAATCGAAAGGATTTTTGAACTTGCAAGAACATTGCAGTTGGTGGTC-3'
Protein context (NP_963890.2, residues 342-362): IERSNTRSSL[Ala352=]EVQSEIERIF